The following is an entry in ClinVar:

ClinVar aggregate classification (germline): Pathogenic (0 of 4 stars; one submission).

Conditions:
Steinert myotonic dystrophy syndrome (DM1). Also called: STEINERT DISEASE; Myotonic dystrophy type 1; Dystrophia myotonica type 1; Steinert myotonic dystrophy; Steinert's disease. Identifiers: Orphanet 273, MedGen C3250443, MONDO:0008056, OMIM 160900.

Submission:

Institute of Molecular, Cell and Systems Biology, University of Glasgow
Classification: Pathogenic for Steinert myotonic dystrophy syndrome. Review status: no assertion criteria provided. Criteria: research. Collection method: research. Allele origin: germline. Inheritance: Autosomal dominant inheritance. Affected: yes. Observed: 1 heterozygote.
Comment: DMPK CTG repeat expansions greater than approximately 45-50 repeats are assumed to be pathogenic

This record is based on data published in PubMed 25052313, which reports only ClinVar accessions SCV000120188 and SCV000120189. The complete data set includes SCV000207445 - SCV000207579.

Literature cited by the submitters: PubMed 1346923; PubMed 1546326; PubMed 25052313.

NM_004409.5(DMPK):c.*224CTG[397]

Genes: DM1-AS (DM1 locus antisense RNA; plus strand), DMPK (DM1 protein kinase; minus strand), LOC107075317 (origin of replication in DMPK trinucleotide repeat region; plus strand), LOC109461477 (dystrophia myotonica protein kinase repeat instability region; plus strand). Cytogenetic location: 19q13.32.
Variant type: Microsatellite.
Coding change: c.*224CTG[397] on transcript NM_004409.5 (MANE Select); 397 copies in a row of the 3-base unit CTG starting at c.*224.
Molecular consequence: 3 prime UTR variant.
Genome position: GRCh38, VCF-style position (the base before the change): chr19:45,770,204. GRCh37 (hg19), VCF-style position (the base before the change): chr19:46,273,462.
Other names: DM1 CTG repeat expansion; c.*222_*224TGC[397] (NM_001081563.3); c.*224CTG[397] (NM_001288764.2, NM_001424165.1, NM_001424169.1 and 1 more transcripts); c.*217CTG[397] (NM_001288765.2, NM_001424162.1, NM_001424163.1 and 2 more transcripts); c.*369CTG[397] (NM_001288766.2, NM_001424164.1, NM_001424168.1).
Identifiers: ClinVar variation 187976 (VCV000187976.2), ClinGen allele CA915951789.